The following is an entry in ClinVar:

ClinVar aggregate classification (germline): Uncertain significance (1 of 4 stars; one submission).

Conditions:
Combined oxidative phosphorylation defect type 4. Identifiers: Orphanet 254925, MedGen C1857682, MONDO:0012534, OMIM 610678.

Allele frequency attached by ClinVar (database versions not stated): gnomAD exomes below 0.00001.

Submission:

Baylor Genetics
Classification: Uncertain significance for Combined oxidative phosphorylation defect type 4. Last evaluated: 2020-02-21. Review status: criteria provided, single submitter. Criteria: ACMG Guidelines, 2015. Collection method: clinical testing. Allele origin: unknown. Affected: yes.
Comment: This variant was determined to be of uncertain significance according to ACMG Guidelines, 2015 [PMID:25741868].

NM_003321.5(TUFM):c.562G>A (p.Ala188Thr)

Gene: TUFM (Tu translation elongation factor, mitochondrial; minus strand). Cytogenetic location: 16p11.2.
Variant type: single nucleotide variant.
Coding change: c.562G>A on transcript NM_003321.5 (MANE Select); coding-DNA position 562, G replaced by A.
Protein change: p.Ala188Thr; replaces alanine 188 with threonine.
Molecular consequence: missense variant.
Genome position (GRCh38, 1-based): chr16:28,844,820, C>T on the plus strand (G>A on the coding strand, the complement: TUFM is on the minus strand). VCF-style: chr16-28844820-C-T. GRCh37 (hg19) VCF-style: chr16-28856141-C-T.
Other names: c.562G>A, p.Ala188Thr (NM_001365360.2); short protein forms A188T.
Identifiers: ClinVar variation 1028594 (VCV001028594.1), dbSNP rs1167098942, ClinGen allele CA395417237.